The following is an entry in ClinVar:

ClinVar aggregate classification (germline): Pathogenic. Review status: criteria provided, multiple submitters, no conflicts (2 of 4 stars). 3 submissions from 3 submitters: Pathogenic (3). Last evaluated 2023-09-11.

Conditions:
ASXL3-related disorder. Also called: ASXL3-related condition. Identifiers: MedGen CN381524.
Intellectual disability. Also called: Intellectual functioning disability; intellectual disabilities; Intellectual developmental disorder. Identifiers: MedGen C3714756, MeSH D008607, MONDO:0001071, HP:0001249.

Submissions (3):

GeneDx
Classification: Pathogenic. Last evaluated: 2023-09-11. Review status: criteria provided, single submitter. Criteria: GeneDx Variant Classification Process June 2021. Collection method: clinical testing. Allele origin: germline. Affected: yes.
Comment: Frameshift variant predicted to result in protein truncation, as the last 1189 amino acids are replaced with 49 different amino acids, and other loss-of-function variants have been reported downstream in HGMD; Not observed at significant frequency in large population cohorts (gnomAD); This variant is associated with the following publications: (PMID: 34436830, 28100473)

Blueprint Genetics
Classification: Pathogenic for ASXL3-related disorders. Last evaluated: 2020-01-14. Review status: criteria provided, single submitter. Criteria: ACMG Guidelines, 2015. Collection method: clinical testing. Allele origin: germline. Affected: yes. Observed: 1 variant allele.

Cambridge Genomics Laboratory, East Genomic Laboratory Hub, NHS Genomic Medicine Service
Classification: Pathogenic for Intellectual disability. Last evaluated: 2019-04-17. Review status: criteria provided, single submitter. Criteria: ACGS Best Practice Guidelines for Variant Classification in Rare Disease 2020. Collection method: clinical testing. Allele origin: germline. Affected: yes. Observed: 1 variant allele.

NM_030632.3(ASXL3):c.3178dup (p.Arg1060fs)

Gene: ASXL3 (ASXL transcriptional regulator 3; plus strand). Cytogenetic location: 18q12.1.
Variant type: Duplication.
Coding change: c.3178dup on transcript NM_030632.3 (MANE Select); coding-DNA position 3178, one base duplicated (C; older notation c.3178dupC).
Protein change: p.Arg1060fs; shifts the reading frame from arginine 1060.
Molecular consequence: frameshift variant.
Genome position (GRCh38, 1-based): chr18:33,743,026, C duplicated; the last of 3 consecutive C bases (chr18:33,743,024-33,743,026); duplicating any one gives the same sequence. VCF-style (leftmost placement, unchanged base first): chr18-33743023-G-GC. GRCh37 (hg19) VCF-style: chr18-31322987-G-GC.
Other names: short protein forms R1060fs.
Identifiers: ClinVar variation 3340386 (VCV003340386.3).